The following is an entry in ClinVar:

NM_000553.6(WRN):c.293C>T (p.Ala98Val)

Gene: WRN (WRN RecQ like helicase; plus strand). Cytogenetic location: 8p12.
Variant type: single nucleotide variant.
Coding change: c.293C>T on transcript NM_000553.6 (MANE Select); coding-DNA position 293, C replaced by T.
Protein change: p.Ala98Val; replaces alanine 98 with valine.
Molecular consequence: missense variant.
Genome position (GRCh38, 1-based): chr8:31,064,372, C>T. VCF-style: chr8-31064372-C-T. GRCh37 (hg19) VCF-style: chr8-30921888-C-T.
Other names: short protein forms A98V.
Identifiers: ClinVar variation 1405734 (VCV001405734.6), dbSNP rs1812612522, ClinGen allele CA370914246.

ClinVar aggregate classification (germline): Uncertain significance (1 of 4 stars; one submission).

Conditions:
Werner syndrome (WRN). Identifiers: Orphanet 902, MedGen C0043119, MONDO:0010196, OMIM 277700.

Submission:

Labcorp Genetics (formerly Invitae), Labcorp
Classification: Uncertain significance for Werner syndrome. Last evaluated: 2025-02-26. Review status: criteria provided, single submitter. Criteria: Invitae Variant Classification Sherloc (09022015). Collection method: clinical testing. Allele origin: germline.
Comment: This sequence change replaces alanine with valine at codon 98 of the WRN protein (p.Ala98Val). The alanine residue is moderately conserved and there is a small physicochemical difference between alanine and valine. This variant is not present in population databases (gnomAD no frequency). This variant has not been reported in the literature in individuals affected with WRN-related conditions. ClinVar contains an entry for this variant (Variation ID: 1405734). An algorithm developed to predict the effect of missense changes on protein structure and function (PolyPhen-2) suggests that this variant is likely to be disruptive. In summary, the available evidence is currently insufficient to determine the role of this variant in disease. Therefore, it has been classified as a Variant of Uncertain Significance.